The following is an entry in ClinVar:

ClinVar aggregate classification (germline): Uncertain significance (1 of 4 stars; one submission).

Conditions:
Inborn genetic diseases. Identifiers: MedGen C0950123, MeSH D030342.

Submission:

Ambry Genetics
Classification: Uncertain significance for Inborn genetic diseases. Last evaluated: 2025-06-06. Review status: criteria provided, single submitter. Criteria: Ambry Variant Classification Scheme 2023. Collection method: clinical testing. Allele origin: germline.
Comment: The p.V1193M variant (also known as c.3577G>A), located in coding exon 33 of the RTEL1 gene, results from a G to A substitution at nucleotide position 3577. The valine at codon 1193 is replaced by methionine, an amino acid with highly similar properties. This amino acid position is conserved. In addition, this alteration is predicted to be tolerated by in silico analysis. Based on the available evidence, the clinical significance of this variant remains unclear.

NM_001283009.2(RTEL1):c.3577G>A (p.Val1193Met)

Genes: RTEL1 (regulator of telomere elongation helicase 1; plus strand), RTEL1-TNFRSF6B (RTEL1-TNFRSF6B readthrough (NMD candidate); plus strand). Cytogenetic location: 20q13.33.
Variant type: single nucleotide variant.
Coding change: c.3577G>A on transcript NM_001283009.2 (MANE Select); coding-DNA position 3577, G replaced by A.
Protein change: p.Val1193Met; replaces valine 1193 with methionine.
Molecular consequence: missense variant. On other transcripts: non-coding transcript variant (1).
Genome position (GRCh38, 1-based): chr20:63,695,405, G>A. VCF-style: chr20-63695405-G-A. GRCh37 (hg19) VCF-style: chr20-62326758-G-A.
Other names: c.2908G>A, p.Val970Met (NM_001283010.1); c.3577G>A, p.Val1193Met (NM_016434.4); c.3649G>A, p.Val1217Met (NM_032957.5); short protein forms V970M, V1217M, V1193M.
Identifiers: ClinVar variation 3948460 (VCV003948460.1).